The following is an entry in ClinVar:

ClinVar aggregate classification (germline): Uncertain significance (1 of 4 stars; one submission).

Submission:

Labcorp Genetics (formerly Invitae), Labcorp
Classification: Uncertain significance. Last evaluated: 2024-12-24. Review status: criteria provided, single submitter. Criteria: Invitae Variant Classification Sherloc (09022015). Collection method: clinical testing. Allele origin: germline.
Comment: This sequence change affects codon 118 of the POU3F4 mRNA. It is a 'silent' change, meaning that it does not change the encoded amino acid sequence of the POU3F4 protein. This variant is not present in population databases (gnomAD no frequency). This variant has not been reported in the literature in individuals affected with POU3F4-related conditions. In summary, the available evidence is currently insufficient to determine the role of this variant in disease. Therefore, it has been classified as a Variant of Uncertain Significance.

NM_000307.5(POU3F4):c.354G>A (p.Pro118=)

Gene: POU3F4 (POU class 3 homeobox 4; plus strand). Cytogenetic location: Xq21.1.
Variant type: single nucleotide variant.
Coding change: c.354G>A on transcript NM_000307.5 (MANE Select); coding-DNA position 354, G replaced by A.
Protein change: p.Pro118=; no amino-acid change (proline 118 retained).
Molecular consequence: synonymous variant.
Genome position (GRCh38, 1-based): chrX:83,508,678, G>A. VCF-style: chrX-83508678-G-A. GRCh37 (hg19) VCF-style: chrX-82763686-G-A.
Identifiers: ClinVar variation 3727910 (VCV003727910.2).